The following is an entry in ClinVar:

ClinVar aggregate classification (germline): Likely benign. Review status: criteria provided, multiple submitters, no conflicts (2 of 4 stars). 4 submissions from 4 submitters: Likely benign (4). Last evaluated 2024-05-24.

Conditions:
Primary ciliary dyskinesia. Also called: Ciliary dyskinesia. Identifiers: Orphanet 244, MedGen C0008780, MONDO:0016575, HP:0012265.

Allele frequency attached by ClinVar (database versions not stated): gnomAD 0.00001; ExAC 0.00003; gnomAD exomes 0.00003; ESP Exome Variant Server 0.00008.
gnomAD v4.1: 27 of 1,571,672 alleles (0.0017%); highest among the groups gnomAD compares: South Asian, 0.0073%; no homozygotes.

Submissions (4):

Labcorp Genetics (formerly Invitae), Labcorp
Classification: Likely benign for Primary ciliary dyskinesia. Last evaluated: 2024-05-24. Review status: criteria provided, single submitter. Criteria: Invitae Variant Classification Sherloc (09022015). Collection method: clinical testing. Allele origin: germline.

Ambry Genetics
Classification: Likely benign for Primary ciliary dyskinesia. Last evaluated: 2024-03-22. Review status: criteria provided, single submitter. Criteria: Ambry Variant Classification Scheme 2023. Collection method: clinical testing. Allele origin: germline.

Laboratory for Molecular Medicine, Mass General Brigham Personalized Medicine
Classification: Likely benign. Last evaluated: 2013-02-21. Review status: criteria provided, single submitter. Criteria: LMM Criteria. Collection method: clinical testing. Allele origin: germline. Observed: 1 variant allele.
Comment: Leu330Leu in exon 6 of DNAH11: This variant is not expected to have clinical sig nificance because it does not alter an amino acid residue and is not located wit hin the splice consensus sequence. It has been identified in 1/8168 European Ame rican chromosomes from a broad population by the NHLBI Exome Sequencing Project.

PreventionGenetics, part of Exact Sciences
Classification: Likely benign. Review status: criteria provided, single submitter. Criteria: ACMG Guidelines, 2015. Collection method: clinical testing. Allele origin: germline.

NM_001277115.2(DNAH11):c.990C>T (p.Leu330=)

Gene: DNAH11 (dynein axonemal heavy chain 11; plus strand). Cytogenetic location: 7p15.3.
Variant type: single nucleotide variant.
Coding change: c.990C>T on transcript NM_001277115.2 (MANE Select); coding-DNA position 990, C replaced by T.
Protein change: p.Leu330=; no amino-acid change (leucine 330 retained).
Molecular consequence: synonymous variant.
Genome position (GRCh38, 1-based): chr7:21,564,193, C>T. VCF-style: chr7-21564193-C-T. GRCh37 (hg19) VCF-style: chr7-21603811-C-T.
Identifiers: ClinVar variation 257944 (VCV000257944.18), dbSNP rs376448045, ClinGen allele CA4178871.